The following is an entry in ClinVar:

NM_170707.4(LMNA):c.206T>C (p.Val69Ala)

Gene: LMNA (lamin A/C; plus strand). Cytogenetic location: 1q22.
Variant type: single nucleotide variant.
Coding change: c.206T>C on transcript NM_170707.4 (MANE Select); coding-DNA position 206, T replaced by C.
Protein change: p.Val69Ala; replaces valine 69 with alanine.
Molecular consequence: missense variant.
Genome position (GRCh38, 1-based): chr1:156,115,124, T>C. VCF-style: chr1-156115124-T-C. GRCh37 (hg19) VCF-style: chr1-156084915-T-C.
Other names: c.206T>C, p.Val69Ala (NM_001282625.2, NM_001282626.2, NM_005572.4 and 1 more transcripts); short protein forms V69A.
Identifiers: ClinVar variation 919251 (VCV000919251.4), dbSNP rs1649725893, ClinGen allele CA342808243.
Genomic context (GRCh38, chr1:156,115,124, plus strand): 5'-TGCGCTCGCTGGAAACGGAGAACGCAGGGCTGCGCCTTCGCATCACCGAGTCTGAAGAGG[T>C]GGTCAGCCGCGAGGTGTCCGGCATCAAGGCCGCCTACGAGGCCGAGCTCGGGGATGCCCG-3'
Protein context (NP_733821.1, residues 59-79): LRLRITESEE[Val69Ala]VSREVSGIKA

ClinVar aggregate classification (germline): Uncertain significance (1 of 4 stars; one submission).

Conditions:
Cardiomyopathy (CMYO). Also called: Cardiomyopathies. Identifiers: Orphanet 167848, MedGen C0878544, MONDO:0004994, HP:0001638. Inheritance: Various modes of inheritance.

Submission:

Color Diagnostics, LLC DBA Color Health
Classification: Uncertain significance for Cardiomyopathy. Last evaluated: 2024-03-06. Review status: criteria provided, single submitter. Criteria: ACMG Guidelines, 2015. Collection method: clinical testing. Allele origin: germline.
Comment: This missense variant replaces valine with alanine at codon 69 of the lamin A/C proteins. Computational prediction suggests that this variant may not impact protein structure and function (internally defined REVEL score threshold <= 0.5, PMID: 27666373). Splice site prediction tools suggest that this variant may not impact RNA splicing. To our knowledge, functional studies have not been performed for this variant. This variant has not been reported in individuals affected with cardiovascular disorders in the literature. This variant has not been identified in the general population by the Genome Aggregation Database (gnomAD). The available evidence is insufficient to determine the role of this variant in disease conclusively. Therefore, this variant is classified as a Variant of Uncertain Significance.